The following is an entry in ClinVar:

NM_001903.5(CTNNA1):c.2587G>C (p.Ala863Pro)

Gene: CTNNA1 (catenin alpha 1; plus strand). Cytogenetic location: 5q31.2.
Variant type: single nucleotide variant.
Coding change: c.2587G>C on transcript NM_001903.5 (MANE Select); coding-DNA position 2587, G replaced by C.
Protein change: p.Ala863Pro; replaces alanine 863 with proline.
Molecular consequence: missense variant. On other transcripts: 3 prime UTR variant (5).
Genome position (GRCh38, 1-based): chr5:138,933,955, G>C. VCF-style: chr5-138933955-G-C. GRCh37 (hg19) VCF-style: chr5-138269644-G-C.
Other names: c.*132G>C (NM_001290307.3, NM_001324003.1, NM_001324004.1 and 2 more transcripts); c.2278G>C, p.Ala760Pro (NM_001290309.3); c.2218G>C, p.Ala740Pro (NM_001290310.3); c.1477G>C, p.Ala493Pro (NM_001290312.1, NM_001323987.1, NM_001323988.1 and 12 more transcripts); c.2587G>C, p.Ala863Pro (NM_001323982.2, NM_001323983.1, NM_001323984.2); c.2560G>C, p.Ala854Pro (NM_001323985.2); c.2494G>C, p.Ala832Pro (NM_001323986.2); c.1138G>C, p.Ala380Pro (NM_001324006.1, NM_001324007.1, NM_001324008.1 and 2 more transcripts); and 3 more; short protein forms A462P, A854P, A493P, A448P, A863P, A380P, A412P, A740P.
Identifiers: ClinVar variation 1998864 (VCV001998864.4), dbSNP rs2150359486, ClinGen allele CA361135543.

ClinVar aggregate classification (germline): Uncertain significance (1 of 4 stars; one submission).

Submission:

Labcorp Genetics (formerly Invitae), Labcorp
Classification: Uncertain significance. Last evaluated: 2022-06-08. Review status: criteria provided, single submitter. Criteria: Invitae Variant Classification Sherloc (09022015). Collection method: clinical testing. Allele origin: germline.
Comment: In summary, the available evidence is currently insufficient to determine the role of this variant in disease. Therefore, it has been classified as a Variant of Uncertain Significance. Algorithms developed to predict the effect of missense changes on protein structure and function are either unavailable or do not agree on the potential impact of this missense change (SIFT: "Deleterious"; PolyPhen-2: "Benign"; Align-GVGD: "Class C0"). This variant has not been reported in the literature in individuals affected with CTNNA1-related conditions. This variant is not present in population databases (gnomAD no frequency). This sequence change replaces alanine, which is neutral and non-polar, with proline, which is neutral and non-polar, at codon 863 of the CTNNA1 protein (p.Ala863Pro).